The following is an entry in ClinVar:

ClinVar aggregate classification (germline): Uncertain significance (1 of 4 stars; one submission).

Conditions:
Ehlers-Danlos syndrome, dermatosparaxis type. Also called: Ehlers-Danlos syndrome, type VII, autosomal recessive; EDS VIIC; Dermatosparaxis. Identifiers: Orphanet 1901, MedGen C2700425, MONDO:0009161, OMIM 225410.

Submission:

Labcorp Genetics (formerly Invitae), Labcorp
Classification: Uncertain significance for Ehlers-Danlos syndrome, dermatosparaxis type. Last evaluated: 2022-02-04. Review status: criteria provided, single submitter. Criteria: Invitae Variant Classification Sherloc (09022015). Collection method: clinical testing. Allele origin: germline.
Comment: This sequence change replaces aspartic acid, which is acidic and polar, with glycine, which is neutral and non-polar, at codon 176 of the ADAMTS2 protein (p.Asp176Gly). This variant is not present in population databases (gnomAD no frequency). This variant has not been reported in the literature in individuals affected with ADAMTS2-related conditions. Algorithms developed to predict the effect of missense changes on protein structure and function are either unavailable or do not agree on the potential impact of this missense change (SIFT: "Deleterious"; PolyPhen-2: "Probably Damaging"; Align-GVGD: "Class C0"). Algorithms developed to predict the effect of sequence changes on RNA splicing suggest that this variant may create or strengthen a splice site. In summary, the available evidence is currently insufficient to determine the role of this variant in disease. Therefore, it has been classified as a Variant of Uncertain Significance.

NM_014244.5(ADAMTS2):c.527A>G (p.Asp176Gly)

Gene: ADAMTS2 (ADAM metallopeptidase with thrombospondin type 1 motif 2; minus strand). Cytogenetic location: 5q35.3.
Variant type: single nucleotide variant.
Coding change: c.527A>G on transcript NM_014244.5 (MANE Select); coding-DNA position 527, A replaced by G.
Protein change: p.Asp176Gly; replaces aspartic acid 176 with glycine.
Molecular consequence: missense variant.
Genome position (GRCh38, 1-based): chr5:179,343,774, T>C on the plus strand (A>G on the coding strand, the complement: ADAMTS2 is on the minus strand). VCF-style: chr5-179343774-T-C. GRCh37 (hg19) VCF-style: chr5-178770775-T-C.
Other names: c.527A>G, p.Asp176Gly (NM_021599.4); short protein forms D176G.
Identifiers: ClinVar variation 2093269 (VCV002093269.1), dbSNP rs1757851299, ClinGen allele CA362622271.